The following is an entry in ClinVar:

ClinVar aggregate classification (germline): Uncertain significance. Review status: criteria provided, multiple submitters, no conflicts (2 of 4 stars). 3 submissions from 3 submitters: Uncertain significance (3). Last evaluated 2023-12-22.

Conditions:
Inborn genetic diseases. Identifiers: MedGen C0950123, MeSH D030342.

Allele frequency attached by ClinVar (database versions not stated): gnomAD exomes 0.00001 and 0.00008; gnomAD 0.00003; TOPMed 0.00003; ExAC 0.00008; 1000 Genomes Project 30x 0.00016; 1000 Genomes Project 0.00020.
gnomAD v4.1: 27 of 1,611,522 alleles (0.0017%); highest among the groups gnomAD compares: East Asian, 0.051%; no homozygotes.

Submissions (3):

Ambry Genetics
Classification: Uncertain significance for Inborn genetic diseases. Last evaluated: 2023-12-22. Review status: criteria provided, single submitter. Criteria: Ambry Variant Classification Scheme 2023. Collection method: clinical testing. Allele origin: germline.

Labcorp Genetics (formerly Invitae), Labcorp
Classification: Uncertain significance. Last evaluated: 2023-06-15. Review status: criteria provided, single submitter. Criteria: Invitae Variant Classification Sherloc (09022015). Collection method: clinical testing. Allele origin: germline.
Comment: This sequence change replaces valine, which is neutral and non-polar, with methionine, which is neutral and non-polar, at codon 749 of the MYO3A protein (p.Val749Met). This variant is present in population databases (rs537846606, gnomAD 0.1%). This variant has not been reported in the literature in individuals affected with MYO3A-related conditions. ClinVar contains an entry for this variant (Variation ID: 1304598). Advanced modeling of protein sequence and biophysical properties (such as structural, functional, and spatial information, amino acid conservation, physicochemical variation, residue mobility, and thermodynamic stability) performed at Invitae indicates that this missense variant is not expected to disrupt MYO3A protein function. In summary, the available evidence is currently insufficient to determine the role of this variant in disease. Therefore, it has been classified as a Variant of Uncertain Significance.

GeneDx
Classification: Uncertain significance. Last evaluated: 2020-01-30. Review status: criteria provided, single submitter. Criteria: GeneDx Variant Classification Process June 2021. Collection method: clinical testing. Allele origin: germline. Affected: yes.
Comment: In silico analysis, which includes protein predictors and evolutionary conservation, supports that this variant does not alter protein structure/function; Has not been previously published as pathogenic or benign to our knowledge

NM_017433.5(MYO3A):c.2245G>A (p.Val749Met)

Gene: MYO3A (myosin IIIA; plus strand). Cytogenetic location: 10p12.1.
Variant type: single nucleotide variant.
Coding change: c.2245G>A on transcript NM_017433.5 (MANE Select); coding-DNA position 2245, G replaced by A.
Protein change: p.Val749Met; replaces valine 749 with methionine.
Molecular consequence: missense variant.
Genome position (GRCh38, 1-based): chr10:26,128,521, G>A. VCF-style: chr10-26128521-G-A. GRCh37 (hg19) VCF-style: chr10-26417450-G-A.
Other names: short protein forms V749M.
Identifiers: ClinVar variation 1304598 (VCV001304598.7), dbSNP rs537846606, ClinGen allele CA5444906.
Genomic context (GRCh38, chr10:26,128,521, plus strand): 5'-TTCGAGCAGCTGTGCATTAACATTGCAAATGAACAAATTCAGTATTATTATAATCAACAT[G>A]TGTTTGCATGGGAACAGGTAAGTCTAAGTACTTACTATAAATATGCATGCATGCATGTAT-3'
Protein context (NP_059129.3, residues 739-759): EQIQYYYNQH[Val749Met]FAWEQNEYLN